The following is an entry in ClinVar:

NM_006231.4(POLE):c.1273A>G (p.Lys425Glu)

Gene: POLE (DNA polymerase epsilon, catalytic subunit; minus strand). Cytogenetic location: 12q24.33.
Variant type: single nucleotide variant.
Coding change: c.1273A>G on transcript NM_006231.4 (MANE Select); coding-DNA position 1273, A replaced by G.
Protein change: p.Lys425Glu; replaces lysine 425 with glutamic acid.
Molecular consequence: missense variant.
Genome position (GRCh38, 1-based): chr12:132,673,661, T>C on the plus strand (A>G on the coding strand, the complement: POLE is on the minus strand). VCF-style: chr12-132673661-T-C. GRCh37 (hg19) VCF-style: chr12-133250247-T-C.
Other names: short protein forms K425E.
Identifiers: ClinVar variation 3422189 (VCV003422189.1).

ClinVar aggregate classification (germline): Uncertain significance (1 of 4 stars; one submission).

Conditions:
Hereditary cancer-predisposing syndrome. Also called: Neoplastic Syndromes, Hereditary; Tumor predisposition; Hereditary Cancer Syndrome; Hereditary neoplastic syndrome. Identifiers: Orphanet 140162, MedGen C0027672, MeSH D009386, MONDO:0015356.

Submission:

Ambry Genetics
Classification: Uncertain significance for Hereditary cancer-predisposing syndrome. Last evaluated: 2024-10-11. Review status: criteria provided, single submitter. Criteria: Ambry Variant Classification Scheme 2023. Collection method: clinical testing. Allele origin: germline.
Comment: The p.K425E variant (also known as c.1273A>G), located in coding exon 13 of the POLE gene, results from an A to G substitution at nucleotide position 1273. The lysine at codon 425 is replaced by glutamic acid, an amino acid with similar properties. This amino acid position is conserved. In addition, this alteration is predicted to be deleterious by in silico analysis. Based on the available evidence, the clinical significance of this variant remains unclear.